The following is an entry in ClinVar:

ClinVar aggregate classification (germline): Uncertain significance (1 of 4 stars; one submission).

Submission:

GeneDx
Classification: Uncertain significance. Last evaluated: 2025-05-23. Review status: criteria provided, single submitter. Criteria: GeneDx Variant Classification Process June 2021. Collection method: clinical testing. Allele origin: germline. Affected: yes.
Comment: Not observed at significant frequency in large population cohorts (gnomAD); In silico analysis supports that this missense variant has a deleterious effect on protein structure/function; Has not been previously published as pathogenic or benign to our knowledge

NM_001286445.3(RIPOR2):c.2146G>A (p.Gly716Ser)

Gene: RIPOR2 (RHO family interacting cell polarization regulator 2; minus strand). Cytogenetic location: 6p22.3.
Variant type: single nucleotide variant.
Coding change: c.2146G>A on transcript NM_001286445.3 (MANE Select); coding-DNA position 2146, G replaced by A.
Protein change: p.Gly716Ser; replaces glycine 716 with serine.
Molecular consequence: missense variant.
Genome position (GRCh38, 1-based): chr6:24,835,765, C>T on the plus strand (G>A on the coding strand, the complement: RIPOR2 is on the minus strand). VCF-style: chr6-24835765-C-T. GRCh37 (hg19) VCF-style: chr6-24835993-C-T.
Other names: c.2059G>A, p.Gly687Ser (NM_001346031.2, NM_001346032.2); c.2209G>A, p.Gly737Ser (NM_014722.5); short protein forms G687S, G716S, G737S.
Identifiers: ClinVar variation 4531135 (VCV004531135.1).
Genomic context (GRCh38, chr6:24,835,765, plus strand): 5'-GCACGAGTTGGGTGCAGTACTGGAGGTGCCTGACGATGGTGATGTCCAGGCTCTCGTTGC[C>T]TGTGGTCAGTGGGAGAGGACTTCCTGCCACACTGGTCCCAACTCCTGTGTCTTCAGTGAG-3'
Protein context (NP_001273374.1, residues 706-726): VAGSPLPLTT[Gly716Ser]NESLDITIVR